The following is an entry in ClinVar:

ClinVar aggregate classification (germline): Likely pathogenic. Review status: criteria provided, single submitter (1 of 4 stars). 2 submissions from 2 submitters: Likely pathogenic (1). 1 of the submissions does not count toward it. Last evaluated 2020-12-04.

Conditions:
Skeletal dysplasia, mild, with joint laxity and advanced bone age. Identifiers: MedGen C5394341, MONDO:0030029, OMIM 618870.

gnomAD v4.1: 1 of 1,613,926 alleles (0.000062%); highest among the groups gnomAD compares: Non-Finnish European, 0.000085%; no homozygotes.

Submissions (2):

SIB Swiss Institute of Bioinformatics
Classification: Likely pathogenic for Skeletal dysplasia, mild, with joint laxity and advanced bone age. Last evaluated: 2020-12-04. Review status: criteria provided, single submitter. Criteria: ACMG Guidelines, 2015. Collection method: curation. Allele origin: unknown.
Comment: This variant is interpreted as Likely pathogenic for Skeletal dysplasia, mild, with joint laxity and advanced bone age, autosomal recessive. The following ACMG Tag(s) were applied: Absent from controls (or at extremely low frequency if recessive) in Exome Sequencing Project, 1000 Genomes Project, or Exome Aggregation Consortium (PM2); Multiple lines of computational evidence support a deleterious effect on the gene or gene product (PP3); Well-established functional studies show a deleterious effect (PS3 downgraded to moderate); For recessive disorders, detected in trans with a pathogenic variant (PM3).

OMIM
Classification: Pathogenic for SKELETAL DYSPLASIA, MILD, WITH JOINT LAXITY AND ADVANCED BONE AGE. Last evaluated: 2020-05-01. Review status: no assertion criteria provided. Collection method: literature only. Allele origin: germline. Not counted in ClinVar's aggregate classification.

Literature cited by the submitters: PubMed 31705726 (cited by SIB Swiss Institute of Bioinformatics and OMIM).

NM_001354483.2(CSGALNACT1):c.1294G>T (p.Asp432Tyr)

Gene: CSGALNACT1 (chondroitin sulfate N-acetylgalactosaminyltransferase 1; minus strand). Cytogenetic location: 8p21.3.
Variant type: single nucleotide variant.
Coding change: c.1294G>T on transcript NM_001354483.2 (MANE Select); coding-DNA position 1294, G replaced by T.
Protein change: p.Asp432Tyr; replaces aspartic acid 432 with tyrosine.
Molecular consequence: missense variant. On other transcripts: non-coding transcript variant (7).
Genome position (GRCh38, 1-based): chr8:19,408,628, C>A on the plus strand (G>T on the coding strand, the complement: CSGALNACT1 is on the minus strand). VCF-style: chr8-19408628-C-A. GRCh37 (hg19) VCF-style: chr8-19266139-C-A.
Other names: c.1294G>T, p.Asp432Tyr (NM_001130518.2, NM_001354475.2, NM_001354476.2 and 18 more transcripts); short protein forms D432Y.
Identifiers: ClinVar variation 870480 (VCV000870480.2), dbSNP rs2054868908, ClinGen allele CA370459145.
Genomic context (GRCh38, chr8:19,408,628, plus strand): 5'-GGCCCGTGGCCTCTGGGTGGCAGTAGAGATGCAGATTTGTCCTACCTATATTGATGAAGT[C>A]TGACCGATACTGACACGTCATCCCAAATCCAAAGTCTCTCCAAAATCCAGTTTCCTTCTT-3'
Protein context (NP_001341412.1, residues 422-442): GFGMTCQYRS[Asp432Tyr]FINIGGFDLD